The following is an entry in ClinVar:

NM_002354.3(EPCAM):c.421A>G (p.Thr141Ala)

Gene: EPCAM (epithelial cell adhesion molecule; plus strand). Cytogenetic location: 2p21.
Variant type: single nucleotide variant.
Coding change: c.421A>G on transcript NM_002354.3 (MANE Select); coding-DNA position 421, A replaced by G.
Protein change: p.Thr141Ala; replaces threonine 141 with alanine.
Molecular consequence: missense variant.
Genome position (GRCh38, 1-based): chr2:47,374,044, A>G. VCF-style: chr2-47374044-A-G. GRCh37 (hg19) VCF-style: chr2-47601183-A-G.
Other names: short protein forms T141A.
Identifiers: ClinVar variation 3509173 (VCV003509173.1).

ClinVar aggregate classification (germline): Uncertain significance (1 of 4 stars; one submission).

Conditions:
Hereditary cancer-predisposing syndrome. Also called: Tumor predisposition; Neoplastic Syndromes, Hereditary; Hereditary Cancer Syndrome; Hereditary neoplastic syndrome. Identifiers: Orphanet 140162, MedGen C0027672, MeSH D009386, MONDO:0015356.

Submission:

Ambry Genetics
Classification: Uncertain significance for Hereditary cancer-predisposing syndrome. Last evaluated: 2024-07-30. Review status: criteria provided, single submitter. Criteria: Ambry Variant Classification Scheme 2023. Collection method: clinical testing. Allele origin: germline.
Comment: The p.T141A variant (also known as c.421A>G), located in coding exon 3 of the EPCAM gene, results from an A to G substitution at nucleotide position 421. The threonine at codon 141 is replaced by alanine, an amino acid with similar properties. This amino acid position is conserved. In addition, this alteration is predicted to be deleterious by in silico analysis. Based on the available evidence, the clinical significance of this variant remains unclear.